The following is an entry in ClinVar:

NM_012388.4(BLOC1S6):c.89del (p.Ser30fs)

Gene: BLOC1S6 (biogenesis of lysosomal organelles complex 1 subunit 6; plus strand). Cytogenetic location: 15q21.1.
Variant type: Deletion.
Coding change: c.89del on transcript NM_012388.4 (MANE Select); coding-DNA position 89, one base deleted (G; older notation c.89delG).
Protein change: p.Ser30fs; shifts the reading frame from serine 30.
Molecular consequence: frameshift variant. On other transcripts: non-coding transcript variant (5).
Genome position (GRCh38, 1-based): chr15:45,592,141, G deleted. VCF-style (leftmost placement, unchanged base first): chr15-45592140-AG-A. GRCh37 (hg19) VCF-style: chr15-45884338-AG-A.
Other names: c.104del, p.Ser35fs (NM_001311255.1, NM_001311256.1); short protein forms S30fs, S35fs.
Identifiers: ClinVar variation 1952947 (VCV001952947.2), dbSNP rs2542270996, ClinGen allele CA2580089503.

ClinVar aggregate classification (germline): Pathogenic (1 of 4 stars; one submission).

Conditions:
Hermansky-Pudlak syndrome 9 (HPS9). Identifiers: Orphanet 280663, Orphanet 79430, MedGen C3280026, MONDO:0013606, OMIM 614171.

Submission:

Labcorp Genetics (formerly Invitae), Labcorp
Classification: Pathogenic for Hermansky-Pudlak syndrome 9. Last evaluated: 2021-08-23. Review status: criteria provided, single submitter. Criteria: Invitae Variant Classification Sherloc (09022015). Collection method: clinical testing. Allele origin: germline.
Comment: This sequence change creates a premature translational stop signal (p.Ser30Metfs*9) in the BLOC1S6 gene. It is expected to result in an absent or disrupted protein product. Loss-of-function variants in BLOC1S6 are known to be pathogenic (PMID: 10610180, 21665000, 22461475). This variant is not present in population databases (ExAC no frequency). This variant has not been reported in the literature in individuals affected with BLOC1S6-related conditions. For these reasons, this variant has been classified as Pathogenic.

Literature cited by the submitters: PubMed 10610180; PubMed 21665000; PubMed 22461475.